The following is an entry in ClinVar:

ClinVar aggregate classification (germline): Conflicting classifications of pathogenicity. Review status: criteria provided, conflicting classifications (1 of 4 stars). 10 submissions from 10 submitters: Uncertain significance (1); Benign (1); Likely benign (5). 3 of the submissions do not count toward it. Last evaluated 2026-01-25.

Conditions:
EPM2A-related disorder. Also called: EPM2A-related condition.
Inborn genetic diseases. Identifiers: MedGen C0950123, MeSH D030342.
Progressive myoclonic epilepsy. Also called: Myoclonus epilepsy; Familial progressive myoclonic epilepsy; Progressive myoclonus epilepsy; Myoclonic Epilepsies, Progressive. Identifiers: Orphanet 308, Orphanet 98261, MedGen C0751778, MONDO:0020074.
Intellectual disability. Also called: intellectual disabilities; Intellectual developmental disorder; Intellectual functioning disability. Identifiers: MedGen C3714756, MeSH D008607, MONDO:0001071, HP:0001249.

Allele frequency attached by ClinVar (database versions not stated): 1000 Genomes Project 0.00060; 1000 Genomes Project 30x 0.00062; gnomAD 0.00084 and 0.00087; TOPMed 0.00105; gnomAD exomes 0.00117 and 0.00121; ExAC 0.00122; ESP Exome Variant Server 0.00123.
gnomAD v4.1: 1,929 of 1,614,150 alleles (0.12%); highest among the groups gnomAD compares: Middle Eastern, 0.33%; 5 homozygotes.

Submissions (10):

Labcorp Genetics (formerly Invitae), Labcorp
Classification: Likely benign for Progressive myoclonic epilepsy. Last evaluated: 2026-01-25. Review status: criteria provided, single submitter. Criteria: Invitae Variant Classification Sherloc (09022015). Collection method: clinical testing. Allele origin: germline.

Blueprint Genetics
Classification: Likely benign. Last evaluated: 2024-11-26. Review status: criteria provided, single submitter. Criteria: ACMG Guidelines, 2015. Collection method: clinical testing. Allele origin: germline.

Ambry Genetics
Classification: Likely benign for Inborn genetic diseases. Last evaluated: 2024-10-29. Review status: criteria provided, single submitter. Criteria: Ambry Variant Classification Scheme 2023. Collection method: clinical testing. Allele origin: germline.

Athena Diagnostics
Classification: Benign. Last evaluated: 2024-06-05. Review status: criteria provided, single submitter. Criteria: Athena Diagnostics Criteria. Collection method: clinical testing. Allele origin: unknown.

GeneDx
Classification: Likely benign. Last evaluated: 2020-12-04. Review status: criteria provided, single submitter. Criteria: GeneDx Variant Classification Process June 2021. Collection method: clinical testing. Allele origin: germline. Affected: yes.

Center for Pediatric Genomic Medicine, Children's Mercy Hospital and Clinics
Classification: Likely benign. Last evaluated: 2016-01-21. Review status: criteria provided, single submitter. Criteria: ACMG Guidelines, 2015. Collection method: clinical testing. Allele origin: germline.
ClinVar note: Converted during submission from Likely Benign to Likely benign.

Eurofins Ntd Llc (ga)
Classification: Uncertain significance. Last evaluated: 2015-05-05. Review status: criteria provided, single submitter. Criteria: EGL Classification Definitions 2015. Collection method: clinical testing. Allele origin: germline. Observed: 2 variant alleles, 2 heterozygotes.

PreventionGenetics, part of Exact Sciences
Classification: Likely benign for EPM2A-related condition. Last evaluated: 2023-01-30. Review status: no assertion criteria provided. Collection method: clinical testing. Allele origin: germline. Not counted in ClinVar's aggregate classification.
Comment: This variant is classified as likely benign based on ACMG/AMP sequence variant interpretation guidelines (Richards et al. 2015 PMID: 25741868, with internal and published modifications).

Centre de Biologie Pathologie Génétique, Centre Hospitalier Universitaire de Lille
Classification: Likely benign for Intellectual disability. Last evaluated: 2019-01-01. Review status: no assertion criteria provided. Collection method: clinical testing. Allele origin: inherited. Affected: yes. Not counted in ClinVar's aggregate classification.

Department of Pathology and Laboratory Medicine, Sinai Health System
Classification: Likely benign. Review status: no assertion criteria provided. Collection method: clinical testing. Allele origin: unknown. Affected: yes. Study: The Canadian Open Genetics Repository (COGR). Not counted in ClinVar's aggregate classification.
Comment: The EPM2A p.Ala227Val variant was not identified in the literature nor was it identified in LOVD 3.0. The variant was identified in dbSNP (ID: rs147399860) and ClinVar (classified as uncertain significance by EGL Genetics, Ambry Genetics and Invitae, and as likely benign by GeneDx and Center for Pediatric Genomic Medicine, Children's Mercy Hospital and Clinics). The variant was identified in control databases in 317 of 282824 chromosomes (2 homozygous) at a frequency of 0.001121 increasing the likelihood this could be a low frequency benign variant (Genome Aggregation Database March 6, 2019, v2.1.1). The variant was observed in the following populations: Other in 13 of 7222 chromosomes (freq: 0.0018), European (non-Finnish) in 224 of 129136 chromosomes (freq: 0.001735), Latino in 52 of 35438 chromosomes (freq: 0.001467), Ashkenazi Jewish in 9 of 10368 chromosomes (freq: 0.000868), South Asian in 11 of 30616 chromosomes (freq: 0.000359), African in 4 of 24966 chromosomes (freq: 0.00016) and European (Finnish) in 4 of 25124 chromosomes (freq: 0.000159), but was not observed in the East Asian population. The p.Ala227 residue is not conserved in mammals and computational analyses (PolyPhen-2, SIFT, AlignGVGD, BLOSUM, MutationTaster) do not suggest a high likelihood of impact to the protein; however, this information is not predictive enough to rule out pathogenicity. The variant occurs outside of the splicing consensus sequence and in silico or computational prediction software programs (SpliceSiteFinder, MaxEntScan, NNSPLICE, GeneSplicer) do not predict a difference in splicing. In summary, based on the above information the clinical significance of this variant cannot be determined with certainty at this time although we would lean towards a more benign role for this variant. This variant is classified as likely benign.

NM_005670.4(EPM2A):c.680C>T (p.Ala227Val)

Gene: EPM2A (EPM2A glucan phosphatase, laforin; minus strand). Cytogenetic location: 6q24.3.
Variant type: single nucleotide variant.
Coding change: c.680C>T on transcript NM_005670.4 (MANE Select); coding-DNA position 680, C replaced by T.
Protein change: p.Ala227Val; replaces alanine 227 with valine.
Molecular consequence: missense variant. On other transcripts: intron variant (1).
Genome position (GRCh38, 1-based): chr6:145,635,283, G>A on the plus strand (C>T on the coding strand, the complement: EPM2A is on the minus strand). VCF-style: chr6-145635283-G-A. GRCh37 (hg19) VCF-style: chr6-145956419-G-A.
Other names: p.A227V:GCC>GTC; c.680C>T, p.Ala227Val (NM_001018041.2, NM_001368130.1); c.266C>T, p.Ala89Val (NM_001360064.2, NM_001360071.2, NM_001368131.1); c.218C>T, p.Ala73Val (NM_001368129.2, NM_001368132.1); c.477-7590C>T (NM_001360057.2); short protein forms A227V, A89V, A73V.
Identifiers: ClinVar variation 196413 (VCV000196413.33), dbSNP rs147399860, ClinGen allele CA243361.